The following is an entry in ClinVar:

NM_014413.4(EIF2AK1):c.385A>G (p.Arg129Gly)

Gene: EIF2AK1 (eukaryotic translation initiation factor 2 alpha kinase 1; minus strand). Cytogenetic location: 7p22.1.
Variant type: single nucleotide variant.
Coding change: c.385A>G on transcript NM_014413.4 (MANE Select); coding-DNA position 385, A replaced by G.
Protein change: p.Arg129Gly; replaces arginine 129 with glycine.
Molecular consequence: missense variant.
Genome position (GRCh38, 1-based): chr7:6,049,938, T>C on the plus strand (A>G on the coding strand, the complement: EIF2AK1 is on the minus strand). VCF-style: chr7-6049938-T-C. GRCh37 (hg19) VCF-style: chr7-6089569-T-C.
Other names: c.385A>G, p.Arg129Gly (NM_001134335.2); short protein forms R129G.
Identifiers: ClinVar variation 4748831 (VCV004748831.1).

ClinVar aggregate classification (germline): Uncertain significance (1 of 4 stars; one submission).

gnomAD v4.1: 10 of 1,612,288 alleles (0.00062%); highest among the groups gnomAD compares: Admixed American, 0.017%; no homozygotes.

Submission:

Labcorp Genetics (formerly Invitae), Labcorp
Classification: Uncertain significance. Last evaluated: 2025-08-13. Review status: criteria provided, single submitter. Criteria: Invitae Variant Classification Sherloc (09022015). Collection method: clinical testing. Allele origin: germline.
Comment: This sequence change replaces arginine, which is basic and polar, with glycine, which is neutral and non-polar, at codon 129 of the EIF2AK1 protein (p.Arg129Gly). This variant is present in population databases (rs770038351, gnomAD 0.02%). This variant has not been reported in the literature in individuals affected with EIF2AK1-related conditions. An algorithm developed to predict the effect of missense changes on protein structure and function (PolyPhen-2) suggests that this variant is likely to be tolerated. In summary, the available evidence is currently insufficient to determine the role of this variant in disease. Therefore, it has been classified as a Variant of Uncertain Significance.